The following is an entry in ClinVar:

NM_001330360.2(POLA1):c.3779A>T (p.Asp1260Val)

Gene: POLA1 (DNA polymerase alpha 1, catalytic subunit; plus strand). Cytogenetic location: Xp22.11.
Variant type: single nucleotide variant.
Coding change: c.3779A>T on transcript NM_001330360.2 (MANE Select); coding-DNA position 3779, A replaced by T.
Protein change: p.Asp1260Val; replaces aspartic acid 1260 with valine.
Molecular consequence: missense variant. On other transcripts: non-coding transcript variant (2).
Genome position (GRCh38, 1-based): chrX:24,841,694, A>T. VCF-style: chrX-24841694-A-T. GRCh37 (hg19) VCF-style: chrX-24859811-A-T.
Other names: c.3704A>T, p.Asp1235Val (NM_001378303.1); c.3779A>T, p.Asp1260Val (NM_001440806.1); c.3761A>T, p.Asp1254Val (NM_016937.4); short protein forms D1235V, D1254V, D1260V.
Identifiers: ClinVar variation 4705565 (VCV004705565.1).

ClinVar aggregate classification (germline): Uncertain significance (1 of 4 stars; one submission).

gnomAD v4.1: 2 of 1,186,276 alleles (0.00017%); highest among the groups gnomAD compares: Non-Finnish European, 0.00023%; no homozygotes.

Submission:

Labcorp Genetics (formerly Invitae), Labcorp
Classification: Uncertain significance. Last evaluated: 2025-08-23. Review status: criteria provided, single submitter. Criteria: Invitae Variant Classification Sherloc (09022015). Collection method: clinical testing. Allele origin: germline.
Comment: This sequence change replaces aspartic acid, which is acidic and polar, with valine, which is neutral and non-polar, at codon 1254 of the POLA1 protein (p.Asp1254Val). This variant is not present in population databases (gnomAD no frequency). This variant has not been reported in the literature in individuals affected with POLA1-related conditions. An algorithm developed to predict the effect of missense changes on protein structure and function (PolyPhen-2) suggests that this variant is likely to be tolerated. In summary, the available evidence is currently insufficient to determine the role of this variant in disease. Therefore, it has been classified as a Variant of Uncertain Significance.